The following is an entry in ClinVar:

NM_139119.3(YY1AP1):c.2019C>G (p.Pro673=)

Gene: YY1AP1 (YY1 associated protein 1; minus strand). Cytogenetic location: 1q22.
Variant type: single nucleotide variant.
Coding change: c.2019C>G on transcript NM_139119.3 (MANE Select); coding-DNA position 2019, C replaced by G.
Protein change: p.Pro673=; no amino-acid change (proline 673 retained).
Molecular consequence: synonymous variant. On other transcripts: 3 prime UTR variant (1).
Genome position (GRCh38, 1-based): chr1:155,659,891, G>C on the plus strand (C>G on the coding strand, the complement: YY1AP1 is on the minus strand). VCF-style: chr1-155659891-G-C. GRCh37 (hg19) VCF-style: chr1-155629682-G-C.
Other names: c.1986C>G, p.Pro662= (NM_001198899.2, NM_001198900.2, NM_018253.4); c.2019C>G, p.Pro673= (NM_001198901.2, NM_001198902.2); c.2433C>G, p.Pro811= (NM_001198903.1); c.2373C>G, p.Pro791= (NM_001198904.1); c.1959C>G, p.Pro653= (NM_001198905.2); c.*962C>G (NM_001198906.2); c.2157C>G, p.Pro719= (NM_139118.3); c.1821C>G, p.Pro607= (NM_139121.3).
Identifiers: ClinVar variation 3910123 (VCV003910123.2).

ClinVar aggregate classification (germline): Likely benign. Review status: criteria provided, multiple submitters, no conflicts (2 of 4 stars). 2 submissions from 2 submitters: Likely benign (2). Last evaluated 2025-02-16.

Conditions:
YY1AP1-related disorder. Also called: YY1AP1-related condition.

gnomAD v4.1: 622 of 1,614,172 alleles (0.039%); highest among the groups gnomAD compares: Non-Finnish European, 0.048%; no homozygotes.

Submissions (2):

Laboratory of Genetics, Children's Clinical University Hospital Latvia
Classification: Likely benign. Last evaluated: 2025-02-16. Review status: criteria provided, single submitter. Criteria: ACMG Guidelines, 2015. Collection method: clinical testing. Allele origin: germline. Affected: yes.

PreventionGenetics, part of Exact Sciences
Classification: Likely benign for YY1AP1-related condition. Last evaluated: 2024-10-16. Review status: criteria provided, single submitter. Criteria: ACMG Guidelines, 2015. Collection method: clinical testing. Allele origin: germline.
Comment: This variant is classified as likely benign based on ACMG/AMP sequence variant interpretation guidelines (Richards et al. 2015 PMID: 25741868, with internal and published modifications).